The following is an entry in ClinVar:

ClinVar aggregate classification (germline): Uncertain significance (1 of 4 stars; one submission).

Submission:

Labcorp Genetics (formerly Invitae), Labcorp
Classification: Uncertain significance. Last evaluated: 2024-11-05. Review status: criteria provided, single submitter. Criteria: Invitae Variant Classification Sherloc (09022015). Collection method: clinical testing. Allele origin: germline.
Comment: This sequence change replaces proline, which is neutral and non-polar, with glutamine, which is neutral and polar, at codon 328 of the NBAS protein (p.Pro328Gln). This variant is not present in population databases (gnomAD no frequency). This variant has not been reported in the literature in individuals affected with NBAS-related conditions. ClinVar contains an entry for this variant (Variation ID: 1375395). Invitae Evidence Modeling of protein sequence and biophysical properties (such as structural, functional, and spatial information, amino acid conservation, physicochemical variation, residue mobility, and thermodynamic stability) has been performed for this missense variant. However, the output from this modeling did not meet the statistical confidence thresholds required to predict the impact of this variant on NBAS protein function. In summary, the available evidence is currently insufficient to determine the role of this variant in disease. Therefore, it has been classified as a Variant of Uncertain Significance.

NM_015909.4(NBAS):c.983C>A (p.Pro328Gln)

Gene: NBAS (NBAS subunit of NRZ tethering complex; minus strand). Cytogenetic location: 2p24.3.
Variant type: single nucleotide variant.
Coding change: c.983C>A on transcript NM_015909.4 (MANE Select); coding-DNA position 983, C replaced by A.
Protein change: p.Pro328Gln; replaces proline 328 with glutamine.
Molecular consequence: missense variant. On other transcripts: non-coding transcript variant (1).
Genome position (GRCh38, 1-based): chr2:15,488,994, G>T on the plus strand (C>A on the coding strand, the complement: NBAS is on the minus strand). VCF-style: chr2-15488994-G-T. GRCh37 (hg19) VCF-style: chr2-15629118-G-T.
Other names: short protein forms P328Q.
Identifiers: ClinVar variation 1375395 (VCV001375395.6), dbSNP rs754568516, ClinGen allele CA345894931.
Genomic context (GRCh38, chr2:15,488,994, plus strand): 5'-GGAATCGCCCAGATGCTCAGTTTCCCTGAGAAGTGAATGGCTGCCAGGAGCATCCCATCT[G>T]GAGAAAGGCTCATCTTAAAAATTCCATCCTAAATAAGAATCATAAGGTCAGGGCAAAGGA-3'
Protein context (NP_056993.2, residues 318-338): QDGIFKMSLS[Pro328Gln]DGMLLAAIHF